The following is an entry in ClinVar:

NM_001005273.3(CHD3):c.4925-10C>G

Gene: CHD3 (chromodomain helicase DNA binding protein 3; plus strand). Cytogenetic location: 17p13.1.
Variant type: single nucleotide variant.
Coding change: c.4925-10C>G on transcript NM_001005273.3 (MANE Select); 10 bases into the intron before coding-DNA position 4925, C replaced by G.
Molecular consequence: intron variant.
Genome position (GRCh38, 1-based): chr17:7,907,591, C>G. VCF-style: chr17-7907591-C-G. GRCh37 (hg19) VCF-style: chr17-7810909-C-G.
Other names: NC_000017.10:g.7810909C>G; c.5102-10C>G (NM_001005271.3); c.4924+103C>G (NM_005852.4).
Identifiers: ClinVar variation 3036615 (VCV003036615.3), dbSNP rs368591051, ClinGen allele CA8363522.
Genomic context (GRCh38, chr17:7,907,591, plus strand): 5'-GATTTCCCTCTTCTGGGGTCAGGGGATGAGGGTAACATCCTCCCTTCCTATCCCCTACCC[C>G]CTCCCACAGCCACAGAGTCGACGCCAGGAGAAAGGGGGGAGGAGAAGCCGTTGGATGGAC-3'

ClinVar aggregate classification (germline): Likely benign (0 of 4 stars; one submission).

Conditions:
CHD3-related disorder. Also called: CHD3-related condition.

Allele frequency attached by ClinVar (database versions not stated): ESP Exome Variant Server 0.00023; ExAC 0.00025; 1000 Genomes Project 0.00120; 1000 Genomes Project 30x 0.00141.
gnomAD v4.1: 100 of 1,509,402 alleles (0.0066%); highest among the groups gnomAD compares: African/African-American, 0.11%; no homozygotes.

Submissions (2):

PreventionGenetics, part of Exact Sciences
Classification: Likely benign for CHD3-related condition. Last evaluated: 2022-08-17. Review status: no assertion criteria provided. Collection method: clinical testing. Allele origin: germline.
Comment: This variant is classified as likely benign based on ACMG/AMP sequence variant interpretation guidelines (Richards et al. 2015 PMID: 25741868, with internal and published modifications).

Dr. Peter K. Rogan Lab, Western University
No classification provided (evidence only). Condition: Malignant tumor of esophagus. Review status: no classification provided. Collection method: in vitro. Allele origin: not applicable. Functional consequence: skipped exon, retained intron. Not counted in ClinVar's aggregate classification.